The following is an entry in ClinVar:

NM_001267550.2(TTN):c.81455_81456del (p.Ile27152fs)

Genes: TTN-AS1 (TTN antisense RNA 1; plus strand), TTN (titin; minus strand). Cytogenetic location: 2q31.2.
Variant type: Deletion.
Coding change: c.81455_81456del on transcript NM_001267550.2 (MANE Select); coding-DNA positions 81455 to 81456, 2 bases deleted (TT; older notation c.81455_81456delTT).
Protein change: p.Ile27152fs; shifts the reading frame from isoleucine 27152.
Molecular consequence: frameshift variant.
Genome position (GRCh38, 1-based): chr2:178,564,676-178,564,677, AA deleted on the plus strand (TT on the coding strand, the reverse complement: TTN is on the minus strand). VCF-style (leftmost placement, unchanged base first): chr2-178564675-CAA-C. GRCh37 (hg19) VCF-style: chr2-179429402-CAA-C.
Other names: c.54260_54261delTT (NM_003319.4); c.76532_76533del, p.Ile25511fs (NM_001256850.1); c.54260_54261del, p.Ile18087fs (NM_003319.4); c.73751_73752del, p.Ile24584fs (NM_133378.4); c.54635_54636del, p.Ile18212fs (NM_133432.3); c.54836_54837del, p.Ile18279fs (NM_133437.4); short protein forms I18212fs, I18279fs, I24584fs, I25511fs, I18087fs, I27152fs.
Identifiers: ClinVar variation 2127544 (VCV002127544.5), dbSNP rs1265868770, ClinGen allele CA761290968.

ClinVar aggregate classification (germline): Likely pathogenic. Review status: criteria provided, multiple submitters, no conflicts (2 of 4 stars). 2 submissions from 2 submitters: Likely pathogenic (2). Last evaluated 2026-05-08.

Conditions:
Autosomal recessive limb-girdle muscular dystrophy type 2J (LGMDR10). Also called: MUSCULAR DYSTROPHY, LIMB-GIRDLE, AUTOSOMAL RECESSIVE 10; Limb-girdle muscular dystrophy, type 2J. Identifiers: Orphanet 140922, MedGen C1837342, MONDO:0012127, OMIM 608807.
Dilated cardiomyopathy 1G (CMD1G). Identifiers: Orphanet 154, MedGen C1858763, MONDO:0011400, OMIM 604145.
Cardiovascular phenotype. Identifiers: MedGen CN230736.

Allele frequency attached by ClinVar (database versions not stated): gnomAD exomes below 0.00001; TOPMed below 0.00001; gnomAD 0.00001.

Submissions (2):

Ambry Genetics
Classification: Likely pathogenic for Cardiovascular phenotype. Last evaluated: 2026-05-08. Review status: criteria provided, single submitter. Criteria: Ambry Variant Classification Scheme 2023. Collection method: clinical testing. Allele origin: germline.
Comment: The c.54260_54261delTT variant, located in coding exon 153 of the TTN gene, results from a deletion of two nucleotides at nucleotide positions 54260 to 54261, causing a translational frameshift with a predicted alternate stop codon (p.I18087Sfs*7). This exon is located in the A-band region of the N2-B isoform of the titin protein and is constitutively expressed in TTN transcripts (percent spliced in or PSI 100%). This variant is considered to be rare based on population cohorts in the Genome Aggregation Database (gnomAD). This variant is expected to result in loss of function by premature protein truncation or nonsense-mediated mRNA decay. While truncating variants in TTN are present in 1-3% of the general population, truncating variants in the A-band are the most common cause of dilated cardiomyopathy (Herman DS et al. N. Engl. J. Med., 2012 Feb;366:619-28; Roberts AM et al. Sci Transl Med, 2015 Jan;7:270ra6). TTN truncating variants encoded in constitutive exons (PSI >90%) have been found to be significantly associated with DCM regardless of their position in titin (Schafer S et al. Nat. Genet., 2017 01;49:46-53; Akhtar MM et al. Circ Heart Fail, 2020 Oct;13:e006832; Massier M et al. Clin Genet, 2025 Jan). Based on the majority of available evidence to date, this variant is likely to be pathogenic.

Labcorp Genetics (formerly Invitae), Labcorp
Classification: Likely pathogenic for Dilated cardiomyopathy 1G; Autosomal recessive limb-girdle muscular dystrophy type 2J. Last evaluated: 2022-04-18. Review status: criteria provided, single submitter. Criteria: Invitae Variant Classification Sherloc (09022015). Collection method: clinical testing. Allele origin: germline.
Comment: This variant has not been reported in the literature in individuals affected with TTN-related conditions. This sequence change creates a premature translational stop signal (p.Ile27152Serfs*7) in the TTN gene. While this is not anticipated to result in nonsense mediated decay, it is expected to create a truncated TTN protein. This variant is not present in population databases (gnomAD no frequency). This variant is located in the A band of TTN (PMID: 25589632). Truncating variants in this region are significantly overrepresented in patients affected with dilated cardiomyopathy (PMID: 25589632). Truncating variants in this region have also been reported in individuals affected with autosomal recessive centronuclear myopathy (PMID: 23975875). In summary, the currently available evidence indicates that the variant is pathogenic, but additional data are needed to prove that conclusively. Therefore, this variant has been classified as Likely Pathogenic.

Literature cited by the submitters: PubMed 25589632 (cited by Labcorp Genetics (formerly Invitae), Labcorp); PubMed 23975875 (cited by Labcorp Genetics (formerly Invitae), Labcorp).